The following is an entry in ClinVar:

ClinVar aggregate classification (germline): Uncertain significance (1 of 4 stars; one submission).

Conditions:
Inborn genetic diseases. Identifiers: MedGen C0950123, MeSH D030342.

gnomAD v4.1: 1 of 1,613,744 alleles (0.000062%); highest among the groups gnomAD compares: Non-Finnish European, 0.000085%; no homozygotes.

Submission:

Ambry Genetics
Classification: Uncertain significance for Inborn genetic diseases. Last evaluated: 2024-12-20. Review status: criteria provided, single submitter. Criteria: Ambry Variant Classification Scheme 2023. Collection method: clinical testing. Allele origin: germline.
Comment: The p.R332K variant (also known as c.995G>A), located in coding exon 4 of the SH2B3 gene, results from a G to A substitution at nucleotide position 995. The arginine at codon 332 is replaced by lysine, an amino acid with highly similar properties. This amino acid position is conserved. In addition, this alteration is predicted to be tolerated by in silico analysis. Based on the available evidence, the clinical significance of this variant remains unclear.

NM_005475.3(SH2B3):c.995G>A (p.Arg332Lys)

Gene: SH2B3 (SH2B adaptor protein 3; plus strand). Cytogenetic location: 12q24.12.
Variant type: single nucleotide variant.
Coding change: c.995G>A on transcript NM_005475.3 (MANE Select); coding-DNA position 995, G replaced by A.
Protein change: p.Arg332Lys; replaces arginine 332 with lysine.
Molecular consequence: missense variant.
Genome position (GRCh38, 1-based): chr12:111,447,193, G>A. VCF-style: chr12-111447193-G-A. GRCh37 (hg19) VCF-style: chr12-111884997-G-A.
Other names: c.389G>A, p.Arg130Lys (NM_001291424.1); short protein forms R332K, R130K.
Identifiers: ClinVar variation 3795011 (VCV003795011.1).